The following is an entry in ClinVar:

NM_001128840.3(CACNA1D):c.623+3A>G

Gene: CACNA1D (calcium voltage-gated channel subunit alpha1 D; plus strand). Cytogenetic location: 3p21.1.
Variant type: single nucleotide variant.
Coding change: c.623+3A>G on transcript NM_001128840.3 (MANE Select); 3 bases into the intron after coding-DNA position 623, A replaced by G.
Molecular consequence: intron variant.
Genome position (GRCh38, 1-based): chr3:53,650,921, A>G. VCF-style: chr3-53650921-A-G. GRCh37 (hg19) VCF-style: chr3-53684948-A-G.
Other names: c.623+3A>G (NM_001128839.3, NM_000720.4).
Identifiers: ClinVar variation 2797841 (VCV002797841.3), dbSNP rs1462910581, ClinGen allele CA543033330.
Genomic context (GRCh38, chr3:53,650,921, plus strand): 5'-CTAATGCTTATGTTAGGAATGGATGGAATTTACTGGATTTTGTTATAGTAATAGTAGGGT[A>G]AGTCTCTTTTACTTTGGGGAAATGTTGATTTGGAAAATGGGAGGTGGAGGTTGGGGGGGG-3'

ClinVar aggregate classification (germline): Uncertain significance (1 of 4 stars; one submission).

Allele frequency attached by ClinVar (database versions not stated): gnomAD exomes below 0.00001.
gnomAD v4.1: 1 of 1,611,858 alleles (0.000062%); highest among the groups gnomAD compares: Admixed American, 0.0017%; no homozygotes.

Submission:

Labcorp Genetics (formerly Invitae), Labcorp
Classification: Uncertain significance. Last evaluated: 2025-12-17. Review status: criteria provided, single submitter. Criteria: Invitae Variant Classification Sherloc (09022015). Collection method: clinical testing. Allele origin: germline.
Comment: This sequence change falls in intron 4 of the CACNA1D gene. It does not directly change the encoded amino acid sequence of the CACNA1D protein. It affects a nucleotide within the consensus splice site. This variant is present in population databases (no rsID available, gnomAD 0.003%). This variant has not been reported in the literature in individuals affected with CACNA1D-related conditions. ClinVar contains an entry for this variant (Variation ID: 2797841). Variants that disrupt the consensus splice site are a relatively common cause of aberrant splicing (PMID: 17576681, 9536098). Algorithms developed to predict the effect of sequence changes on RNA splicing suggest that this variant is not likely to affect RNA splicing. In summary, the available evidence is currently insufficient to determine the role of this variant in disease. Therefore, it has been classified as a Variant of Uncertain Significance.

Literature cited by the submitters: PubMed 17576681; PubMed 9536098.